The following is an entry in ClinVar:

NM_001370259.2(MEN1):c.1659C>T (p.Phe553=)

Gene: MEN1 (menin 1; minus strand). Cytogenetic location: 11q13.1.
Variant type: single nucleotide variant.
Coding change: c.1659C>T on transcript NM_001370259.2 (MANE Select); coding-DNA position 1659, C replaced by T.
Protein change: p.Phe553=; no amino-acid change (phenylalanine 553 retained).
Molecular consequence: synonymous variant.
Genome position (GRCh38, 1-based): chr11:64,804,508, G>A on the plus strand (C>T on the coding strand, the complement: MEN1 is on the minus strand). VCF-style: chr11-64804508-G-A. GRCh37 (hg19) VCF-style: chr11-64571980-G-A.
Other names: c.1674C>T, p.Phe558= (NM_000244.4, NM_130800.3, NM_130801.3 and 3 more transcripts); c.1785C>T, p.Phe595= (NM_001370251.2); c.1659C>T, p.Phe553= (NM_001370260.2, NM_001370261.2, NM_130799.3); c.1554C>T, p.Phe518= (NM_001370262.2, NM_001370263.2).
Identifiers: ClinVar variation 485732 (VCV000485732.15), dbSNP rs1299138529, ClinGen allele CA475163495.

ClinVar aggregate classification (germline): Conflicting classifications of pathogenicity. Review status: criteria provided, conflicting classifications (1 of 4 stars). 4 submissions from 4 submitters: Uncertain significance (1); Benign (1); Likely benign (2). Last evaluated 2024-11-05.

Conditions:
Multiple endocrine neoplasia, type 1 (MEN1). Also called: MEA I; MEN I; WERMER SYNDROME; Endocrine adenomatosis multiple; MEN 1. Identifiers: Orphanet 652, MedGen C0025267, MeSH D018761, MONDO:0007540, OMIM 131100.
Hereditary cancer-predisposing syndrome. Also called: Tumor predisposition; Neoplastic Syndromes, Hereditary; Hereditary Cancer Syndrome; Hereditary neoplastic syndrome. Identifiers: Orphanet 140162, MedGen C0027672, MeSH D009386, MONDO:0015356.

Allele frequency attached by ClinVar (database versions not stated): gnomAD exomes below 0.00001.
gnomAD v4.1: 1 of 1,614,086 alleles (0.000062%); highest among the groups gnomAD compares: Non-Finnish European, 0.000085%; no homozygotes.

Submissions (4):

Myriad Genetics, Inc.
Classification: Benign for Multiple endocrine neoplasia, type 1. Last evaluated: 2024-11-05. Review status: criteria provided, single submitter. Criteria: Myriad Autosomal Dominant, Autosomal Recessive and X-Linked Classification Criteria (2023). Collection method: clinical testing. Allele origin: unknown.
Comment: This variant is considered benign. This variant is a silent/synonymous amino acid change and it is not expected to impact splicing.

Labcorp Genetics (formerly Invitae), Labcorp
Classification: Likely benign for Multiple endocrine neoplasia, type 1. Last evaluated: 2022-10-13. Review status: criteria provided, single submitter. Criteria: Invitae Variant Classification Sherloc (09022015). Collection method: clinical testing. Allele origin: germline.

Sema4
Classification: Uncertain significance for Hereditary cancer-predisposing syndrome. Last evaluated: 2021-05-20. Review status: criteria provided, single submitter. Criteria: Sema4 Curation Guidelines. Collection method: curation. Allele origin: germline.
Comment: The MEN1 c.1659C>T (p.F553=) variant has not been reported in the literature to our knowledge. It was not observed in the Genome Aggregation Database. The variant has been reported in ClinVar (Variation ID 485732). In silico tools suggest that the variant may create or strengthen a cryptic splice site, though these predictions have not been confirmed by functional studies. The evidence is insufficient to meet ACMG/AMP criteria for classifying the variant as benign or pathogenic. Thus, the clinical significance of this variant is currently uncertain.

Ambry Genetics
Classification: Likely benign for Hereditary cancer-predisposing syndrome. Last evaluated: 2017-09-01. Review status: criteria provided, single submitter. Criteria: Ambry Variant Classification Scheme 2023. Collection method: clinical testing. Allele origin: germline.